The following is an entry in ClinVar:

ClinVar aggregate classification (germline): Uncertain significance (1 of 4 stars; one submission).

Conditions:
RASopathy. Also called: rasopathies; Noonan spectrum disorder. Identifiers: Orphanet 536391, MedGen C5555857, MONDO:0021060.

Submission:

Labcorp Genetics (formerly Invitae), Labcorp
Classification: Uncertain significance for RASopathy. Last evaluated: 2025-03-18. Review status: criteria provided, single submitter. Criteria: Invitae Variant Classification Sherloc (09022015). Collection method: clinical testing. Allele origin: germline.
Comment: This sequence change replaces serine, which is neutral and polar, with asparagine, which is neutral and polar, at codon 247 of the SOS1 protein (p.Ser247Asn). This variant is not present in population databases (gnomAD no frequency). This variant has not been reported in the literature in individuals affected with SOS1-related conditions. Invitae Evidence Modeling of protein sequence and biophysical properties (such as structural, functional, and spatial information, amino acid conservation, physicochemical variation, residue mobility, and thermodynamic stability) indicates that this missense variant is expected to disrupt SOS1 protein function with a positive predictive value of 80%. In summary, the available evidence is currently insufficient to determine the role of this variant in disease. Therefore, it has been classified as a Variant of Uncertain Significance.

NM_005633.4(SOS1):c.740G>A (p.Ser247Asn)

Gene: SOS1 (SOS Ras/Rac guanine nucleotide exchange factor 1; minus strand). Cytogenetic location: 2p22.1.
Variant type: single nucleotide variant.
Coding change: c.740G>A on transcript NM_005633.4 (MANE Select); coding-DNA position 740, G replaced by A.
Protein change: p.Ser247Asn; replaces serine 247 with asparagine.
Molecular consequence: missense variant.
Genome position (GRCh38, 1-based): chr2:39,051,268, C>T on the plus strand (G>A on the coding strand, the complement: SOS1 is on the minus strand). VCF-style: chr2-39051268-C-T. GRCh37 (hg19) VCF-style: chr2-39278409-C-T.
Other names: c.719G>A, p.Ser240Asn (NM_001382394.1); c.740G>A, p.Ser247Asn (NM_001382395.1); short protein forms S240N, S247N.
Identifiers: ClinVar variation 4760449 (VCV004760449.1).